The following is an entry in ClinVar:

NM_005984.5(SLC25A1):c.671G>C (p.Gly224Ala)

Gene: SLC25A1 (solute carrier family 25 member 1; minus strand). Cytogenetic location: 22q11.21.
Variant type: single nucleotide variant.
Coding change: c.671G>C on transcript NM_005984.5 (MANE Select); coding-DNA position 671, G replaced by C.
Protein change: p.Gly224Ala; replaces glycine 224 with alanine.
Molecular consequence: missense variant. On other transcripts: non-coding transcript variant (1).
Genome position (GRCh38, 1-based): chr22:19,176,654, C>G on the plus strand (G>C on the coding strand, the complement: SLC25A1 is on the minus strand). VCF-style: chr22-19176654-C-G. GRCh37 (hg19) VCF-style: chr22-19164167-C-G.
Other names: c.692G>C, p.Gly231Ala (NM_001256534.2); c.362G>C, p.Gly121Ala (NM_001287387.2); short protein forms G231A, G121A, G224A.
Identifiers: ClinVar variation 2197133 (VCV002197133.3), dbSNP rs1193628258, ClinGen allele CA410636529.
Genomic context (GRCh38, chr22:19,176,654, plus strand): 5'-ATCACATCCAGAGGAGTGTTTCCAAAGACACTGGCTGCGCCTGCAATAGCTCCGAAGACC[C>G]CAGTGATCAGAGGGTTCATGGGCTTGTTGGGGTTGTCCCCTGGATATAGGAGGGGTGAGG-3'
Protein context (NP_005975.1, residues 214-234): PNKPMNPLIT[Gly224Ala]VFGAIAGAAS

ClinVar aggregate classification (germline): Uncertain significance (1 of 4 stars; one submission).

Submission:

Labcorp Genetics (formerly Invitae), Labcorp
Classification: Uncertain significance. Last evaluated: 2025-01-27. Review status: criteria provided, single submitter. Criteria: Invitae Variant Classification Sherloc (09022015). Collection method: clinical testing. Allele origin: germline.
Comment: This sequence change replaces glycine, which is neutral and non-polar, with alanine, which is neutral and non-polar, at codon 224 of the SLC25A1 protein (p.Gly224Ala). This variant is present in population databases (no rsID available, gnomAD 0.007%). This variant has not been reported in the literature in individuals affected with SLC25A1-related conditions. ClinVar contains an entry for this variant (Variation ID: 2197133). Invitae Evidence Modeling of protein sequence and biophysical properties (such as structural, functional, and spatial information, amino acid conservation, physicochemical variation, residue mobility, and thermodynamic stability) indicates that this missense variant is not expected to disrupt SLC25A1 protein function with a negative predictive value of 80%. In summary, the available evidence is currently insufficient to determine the role of this variant in disease. Therefore, it has been classified as a Variant of Uncertain Significance.